The following is an entry in ClinVar:

NM_172250.3(MMAA):c.776T>C (p.Met259Thr)

Gene: MMAA (metabolism of cobalamin associated A; plus strand). Cytogenetic location: 4q31.21.
Variant type: single nucleotide variant.
Coding change: c.776T>C on transcript NM_172250.3 (MANE Select); coding-DNA position 776, T replaced by C.
Protein change: p.Met259Thr; replaces methionine 259 with threonine.
Molecular consequence: missense variant.
Genome position (GRCh38, 1-based): chr4:145,651,104, T>C. VCF-style: chr4-145651104-T-C. GRCh37 (hg19) VCF-style: chr4-146572256-T-C.
Other names: c.776T>C, p.Met259Thr (NM_001375644.1); short protein forms M259T.
Identifiers: ClinVar variation 1480897 (VCV001480897.8), dbSNP rs1328403056, ClinGen allele CA358341575.

ClinVar aggregate classification (germline): Uncertain significance (1 of 4 stars; one submission).

Conditions:
Methylmalonic aciduria, cblA type (MACA). Also called: Vitamin B12-responsive methylmalonic acidemia type cblA; Methylmalonic aciduria, vitamin B12-responsive; Methylmalonic aciduria, vitamin b12-responsive, due to defect in synthesis of adenosylcobalamin, cbla complementation type; MMA cbl A type; Methylmalonic acidemia cblA type. Identifiers: Orphanet 28, Orphanet 79310, MedGen C1855109, MONDO:0009613, OMIM 251100.

Submission:

Labcorp Genetics (formerly Invitae), Labcorp
Classification: Uncertain significance for Methylmalonic aciduria, cblA type. Last evaluated: 2021-03-22. Review status: criteria provided, single submitter. Criteria: Invitae Variant Classification Sherloc (09022015). Collection method: clinical testing. Allele origin: germline.
Comment: Advanced modeling of protein sequence and biophysical properties (such as structural, functional, and spatial information, amino acid conservation, physicochemical variation, residue mobility, and thermodynamic stability) performed at Invitae indicates that this missense variant is expected to disrupt MMAA protein function. In summary, the available evidence is currently insufficient to determine the role of this variant in disease. Therefore, it has been classified as a Variant of Uncertain Significance. This variant has not been reported in the literature in individuals with MMAA-related conditions. This variant is not present in population databases (ExAC no frequency). This sequence change replaces methionine with threonine at codon 259 of the MMAA protein (p.Met259Thr). The methionine residue is highly conserved and there is a moderate physicochemical difference between methionine and threonine.